The following is an entry in ClinVar:

ClinVar aggregate classification (germline): Benign. Review status: criteria provided, multiple submitters, no conflicts (2 of 4 stars). 2 submissions from 2 submitters: Benign (2). Last evaluated 2018-01-13.

Conditions:
Neuropathy, hereditary sensory and autonomic, type 1C. Also called: HSAN IC; HSN IC. Identifiers: Orphanet 36386, MedGen C3150896, MONDO:0013337, OMIM 613640.

Allele frequency attached by ClinVar (database versions not stated): 1000 Genomes Project 0.05112; 1000 Genomes Project 30x 0.05450; TOPMed 0.05851; gnomAD 0.05948 and 0.06072; gnomAD exomes 0.06250.
gnomAD v4.1: 9,004 of 152,250 alleles (5.9%); highest among the groups gnomAD compares: African/African-American, 8.5%; 292 homozygotes.

Submissions (2):

Illumina Laboratory Services, Illumina
Classification: Benign for Neuropathy, hereditary sensory and autonomic, type 1C. Last evaluated: 2018-01-13. Review status: criteria provided, single submitter. Criteria: ICSL Variant Classification Criteria 13 December 2019. Collection method: clinical testing. Allele origin: germline.
Comment: This variant was observed in the ICSL laboratory as part of a predisposition screen in an ostensibly healthy population. It had not been previously curated by ICSL or reported in the Human Gene Mutation Database (HGMD: prior to June 1st, 2018), and was therefore a candidate for classification through an automated scoring system. Utilizing variant allele frequency, disease prevalence and penetrance estimates, and inheritance mode, an automated score was calculated to assess if this variant is too frequent to cause the disease. Based on the score and internal cut-off values, a variant classified as benign is not then subjected to further curation. The score for this variant resulted in a classification of benign for this disease.

Breakthrough Genomics
Classification: Benign. Review status: criteria provided, single submitter. Criteria: ACMG Guidelines, 2015. Collection method: not provided. Allele origin: germline. Inheritance: Autosomal dominant inheritance. Affected: yes.

NM_004863.4(SPTLC2):c.*5531A>G

Gene: SPTLC2 (serine palmitoyltransferase long chain base subunit 2; minus strand). Cytogenetic location: 14q24.3.
Variant type: single nucleotide variant.
Coding change: c.*5531A>G on transcript NM_004863.4 (MANE Select); 5531 bases downstream of the stop codon, A replaced by G.
Molecular consequence: 3 prime UTR variant.
Genome position (GRCh38, 1-based): chr14:77,506,753, T>C on the plus strand (A>G on the coding strand, the complement: SPTLC2 is on the minus strand). VCF-style: chr14-77506753-T-C. GRCh37 (hg19) VCF-style: chr14-77973096-T-C.
Identifiers: ClinVar variation 314575 (VCV000314575.6), dbSNP rs17105886, ClinGen allele CA10635411.